The following is an entry in ClinVar:

ClinVar aggregate classification (germline): Benign. Review status: criteria provided, multiple submitters, no conflicts (2 of 4 stars). 8 submissions from 8 submitters: Benign (8). Last evaluated 2026-02-04.

Conditions:
COG5-congenital disorder of glycosylation. Also called: CDG IIi; COG5-CDG; CONGENITAL DISORDER OF GLYCOSYLATION, TYPE IIi. Identifiers: Orphanet 263487, MedGen C3150876, MONDO:0013325, OMIM 613612.

Allele frequency attached by ClinVar (database versions not stated): gnomAD exomes 0.53066 and 0.54498; ESP Exome Variant Server 0.65470; 1000 Genomes Project 30x 0.65162; ExAC 0.55077; gnomAD 0.63567 and 0.64619; 1000 Genomes Project 0.64836; TOPMed 0.66178.

Submissions (8):

Labcorp Genetics (formerly Invitae), Labcorp
Classification: Benign for COG5-congenital disorder of glycosylation. Last evaluated: 2026-02-04. Review status: criteria provided, single submitter. Criteria: Invitae Variant Classification Sherloc (09022015). Collection method: clinical testing. Allele origin: germline.

Blueprint Genetics
Classification: Benign. Last evaluated: 2024-11-27. Review status: criteria provided, single submitter. Criteria: ACMG Guidelines, 2015. Collection method: clinical testing. Allele origin: germline.

Genome-Nilou Lab
Classification: Benign for COG5-congenital disorder of glycosylation. Last evaluated: 2021-07-22. Review status: criteria provided, single submitter. Criteria: ACMG Guidelines, 2015. Collection method: clinical testing. Allele origin: germline. Affected: no.

Mayo Clinic Laboratories, Mayo Clinic
Classification: Benign. Last evaluated: 2018-10-02. Review status: criteria provided, single submitter. Criteria: ACMG Guidelines, 2015. Collection method: clinical testing. Allele origin: germline. Observed: 37 variant alleles.

Illumina Laboratory Services, Illumina
Classification: Benign for COG5-congenital disorder of glycosylation. Last evaluated: 2018-01-12. Review status: criteria provided, single submitter. Criteria: ICSL Variant Classification Criteria 13 December 2019. Collection method: clinical testing. Allele origin: germline.
Comment: This variant was observed in the ICSL laboratory as part of a predisposition screen in an ostensibly healthy population. It had not been previously curated by ICSL or reported in the Human Gene Mutation Database (HGMD: prior to June 1st, 2018), and was therefore a candidate for classification through an automated scoring system. Utilizing variant allele frequency, disease prevalence and penetrance estimates, and inheritance mode, an automated score was calculated to assess if this variant is too frequent to cause the disease. Based on the score and internal cut-off values, a variant classified as benign is not then subjected to further curation. The score for this variant resulted in a classification of benign for this disease.

GeneDx
Classification: Benign. Last evaluated: 2015-12-02. Review status: criteria provided, single submitter. Criteria: GeneDx Variant Classification (06012015). Collection method: clinical testing. Allele origin: germline. Affected: yes.
Comment: This variant is considered likely benign or benign based on one or more of the following criteria: it is a conservative change, it occurs at a poorly conserved position in the protein, it is predicted to be benign by multiple in silico algorithms, and/or has population frequency not consistent with disease.

Eurofins Ntd Llc (ga)
Classification: Benign. Last evaluated: 2013-06-07. Review status: criteria provided, single submitter. Criteria: EGL Classification Definitions 2015. Collection method: clinical testing. Allele origin: germline. Observed: 5 variant alleles, 3 heterozygotes, 2 homozygotes.

Breakthrough Genomics
Classification: Benign. Review status: criteria provided, single submitter. Criteria: ACMG Guidelines, 2015. Collection method: not provided. Allele origin: germline. Inheritance: Autosomal recessive inheritance. Affected: yes.

NM_006348.5(COG5):c.895T>C (p.Phe299Leu)

Gene: COG5 (component of oligomeric golgi complex 5; minus strand). Cytogenetic location: 7q22.3.
Variant type: single nucleotide variant.
Coding change: c.895T>C on transcript NM_006348.5 (MANE Select); coding-DNA position 895, T replaced by C.
Protein change: p.Phe299Leu; replaces phenylalanine 299 with leucine.
Molecular consequence: missense variant. On other transcripts: intron variant (2).
Genome position (GRCh38, 1-based): chr7:107,362,361, A>G on the plus strand (T>C on the coding strand, the complement: COG5 is on the minus strand). VCF-style: chr7-107362361-A-G. GRCh37 (hg19) VCF-style: chr7-107002806-A-G.
Other names: c.895T>C, p.Phe299Leu (NM_001161520.2, NM_001379511.1, NM_001379512.1 and 3 more transcripts); c.235-251T>C (NM_001379516.1); c.539-64015T>C (NM_001379515.1); short protein forms F330L, F299L.
Identifiers: ClinVar variation 95374 (VCV000095374.21), dbSNP rs2269970, ClinGen allele CA148493.
Genomic context (GRCh38, chr7:107,362,361, plus strand): 5'-TATTTACCTGTCCACAAACAGCATAAATATGATCCATAAGTTTCTCCATATTGGTCCAGA[A>G]TGAGGCACGCAAAGCTGCAGTATTTCCTGGGGTTGGCATGGTAGATCGTCCAGGTCCCCC-3'
Protein context (NP_006339.4, residues 289-309): PGNTAALRAS[Phe299Leu]WTNMEKLMDH